The following is an entry in ClinVar:

ClinVar aggregate classification (germline): Uncertain significance (1 of 4 stars; one submission).

Conditions:
Gnathodiaphyseal dysplasia (GDD). Also called: GNATHODIAPHYSEAL SCLEROSIS; OSTEOGENESIS IMPERFECTA WITH UNUSUAL SKELETAL LESIONS. Identifiers: Orphanet 53697, MedGen C1833736, MONDO:0008151, OMIM 166260.
Autosomal recessive limb-girdle muscular dystrophy type 2L (LGMDR12). Also called: Limb-girdle muscular dystrophy, type 2L; MUSCULAR DYSTROPHY, LIMB-GIRDLE, AUTOSOMAL RECESSIVE 12; Limb-Girdle Muscular Dystrophy R12 Anoctamin-5-Related (LGMD-R12). Identifiers: Orphanet 206549, MedGen C1969785, MONDO:0012652, OMIM 611307.

Allele frequency attached by ClinVar (database versions not stated): gnomAD exomes below 0.00001.
gnomAD v4.1: 2 of 1,613,622 alleles (0.00012%); highest among the groups gnomAD compares: East Asian, 0.0045%; no homozygotes.

Submission:

Labcorp Genetics (formerly Invitae), Labcorp
Classification: Uncertain significance for Autosomal recessive limb-girdle muscular dystrophy type 2L; Gnathodiaphyseal dysplasia. Last evaluated: 2023-06-24. Review status: criteria provided, single submitter. Criteria: Invitae Variant Classification Sherloc (09022015). Collection method: clinical testing. Allele origin: germline.
Comment: In summary, the available evidence is currently insufficient to determine the role of this variant in disease. Therefore, it has been classified as a Variant of Uncertain Significance. Advanced modeling of protein sequence and biophysical properties (such as structural, functional, and spatial information, amino acid conservation, physicochemical variation, residue mobility, and thermodynamic stability) has been performed at Invitae for this missense variant, however the output from this modeling did not meet the statistical confidence thresholds required to predict the impact of this variant on ANO5 protein function. This variant has not been reported in the literature in individuals affected with ANO5-related conditions. This variant is not present in population databases (gnomAD no frequency). This sequence change replaces threonine, which is neutral and polar, with isoleucine, which is neutral and non-polar, at codon 612 of the ANO5 protein (p.Thr612Ile).

NM_213599.3(ANO5):c.1835C>T (p.Thr612Ile)

Gene: ANO5 (anoctamin 5; plus strand). Cytogenetic location: 11p14.3.
Variant type: single nucleotide variant.
Coding change: c.1835C>T on transcript NM_213599.3 (MANE Select); coding-DNA position 1835, C replaced by T.
Protein change: p.Thr612Ile; replaces threonine 612 with isoleucine.
Molecular consequence: missense variant.
Genome position (GRCh38, 1-based): chr11:22,262,980, C>T. VCF-style: chr11-22262980-C-T. GRCh37 (hg19) VCF-style: chr11-22284526-C-T.
Other names: c.1832C>T, p.Thr611Ile (NM_001142649.2); c.1793C>T, p.Thr598Ile (NM_001410963.1); c.1790C>T, p.Thr597Ile (NM_001410964.1); short protein forms T612I, T597I, T598I, T611I.
Identifiers: ClinVar variation 2940894 (VCV002940894.3), dbSNP rs2494323675, ClinGen allele CA379922947.